The following is an entry in ClinVar:

ClinVar aggregate classification (germline): Uncertain significance (1 of 4 stars; one submission).

Conditions:
Macrocephaly-developmental delay syndrome (MRT41). Also called: INTELLECTUAL DEVELOPMENTAL DISORDER, AUTOSOMAL RECESSIVE 41. Identifiers: Orphanet 397612, MedGen C3810225, MONDO:0014289, OMIM 615637.

Allele frequency attached by ClinVar (database versions not stated): gnomAD exomes below 0.00001.

Submission:

Labcorp Genetics (formerly Invitae), Labcorp
Classification: Uncertain significance for Macrocephaly-developmental delay syndrome. Last evaluated: 2021-06-06. Review status: criteria provided, single submitter. Criteria: Invitae Variant Classification Sherloc (09022015). Collection method: clinical testing. Allele origin: germline.
Comment: This sequence change replaces leucine with phenylalanine at codon 14 of the KPTN protein (p.Leu14Phe). The leucine residue is moderately conserved and there is a small physicochemical difference between leucine and phenylalanine. This variant is not present in population databases (ExAC no frequency). This variant has not been reported in the literature in individuals with KPTN-related conditions. Algorithms developed to predict the effect of missense changes on protein structure and function are either unavailable or do not agree on the potential impact of this missense change (SIFT: "Tolerated"; PolyPhen-2: "Possibly Damaging"; Align-GVGD: "Class C0"). In summary, the available evidence is currently insufficient to determine the role of this variant in disease. Therefore, it has been classified as a Variant of Uncertain Significance.

NM_007059.4(KPTN):c.42G>T (p.Leu14Phe)

Gene: KPTN (kaptin, actin binding protein; minus strand). Cytogenetic location: 19q13.32.
Variant type: single nucleotide variant.
Coding change: c.42G>T on transcript NM_007059.4 (MANE Select); coding-DNA position 42, G replaced by T.
Protein change: p.Leu14Phe; replaces leucine 14 with phenylalanine.
Molecular consequence: missense variant. On other transcripts: non-coding transcript variant (1).
Genome position (GRCh38, 1-based): chr19:47,484,119, C>A on the plus strand (G>T on the coding strand, the complement: KPTN is on the minus strand). VCF-style: chr19-47484119-C-A. GRCh37 (hg19) VCF-style: chr19-47987376-C-A.
Other names: c.42G>T, p.Leu14Phe (NM_001291296.2); short protein forms L14F.
Identifiers: ClinVar variation 1446513 (VCV001446513.8), dbSNP rs1183917585, ClinGen allele CA406607137.